The following is an entry in ClinVar:

ClinVar aggregate classification (germline): Uncertain significance (1 of 4 stars; one submission).

gnomAD v4.1: 3 of 1,614,174 alleles (0.00019%); highest among the groups gnomAD compares: African/African-American, 0.0013%; no homozygotes.

Submission:

Labcorp Genetics (formerly Invitae), Labcorp
Classification: Uncertain significance. Last evaluated: 2024-12-12. Review status: criteria provided, single submitter. Criteria: Invitae Variant Classification Sherloc (09022015). Collection method: clinical testing. Allele origin: germline.
Comment: This sequence change replaces tyrosine, which is neutral and polar, with cysteine, which is neutral and slightly polar, at codon 447 of the RP1 protein (p.Tyr447Cys). This variant is present in population databases (rs778644406, gnomAD 0.007%). This variant has not been reported in the literature in individuals affected with RP1-related conditions. An algorithm developed to predict the effect of missense changes on protein structure and function (PolyPhen-2) suggests that this variant is likely to be disruptive. In summary, the available evidence is currently insufficient to determine the role of this variant in disease. Therefore, it has been classified as a Variant of Uncertain Significance.

NM_006269.2(RP1):c.1340A>G (p.Tyr447Cys)

Gene: RP1 (RP1 axonemal microtubule associated; plus strand). Cytogenetic location: 8q12.1.
Variant type: single nucleotide variant.
Coding change: c.1340A>G on transcript NM_006269.2 (MANE Select); coding-DNA position 1340, A replaced by G.
Protein change: p.Tyr447Cys; replaces tyrosine 447 with cysteine.
Molecular consequence: missense variant. On other transcripts: intron variant (1).
Genome position (GRCh38, 1-based): chr8:54,625,222, A>G. VCF-style: chr8-54625222-A-G. GRCh37 (hg19) VCF-style: chr8-55537782-A-G.
Other names: c.787+2934A>G (NM_001375654.1); short protein forms Y447C.
Identifiers: ClinVar variation 3618089 (VCV003618089.2).
Genomic context (GRCh38, chr8:54,625,222, plus strand): 5'-ATGCTACTGTGGACACAGATATCATCCAGGGAACTCAAGACCAAGCAAAGCATCGTTTTT[A>G]TAGGCCCCCTACACCTGGACTAAGAAGAGTGAGACAAAAGAAATCTGTGATTGGCAGTGT-3'
Protein context (NP_006260.1, residues 437-457): GTQDQAKHRF[Tyr447Cys]RPPTPGLRRV